The following is an entry in ClinVar:

ClinVar aggregate classification (germline): Uncertain significance (1 of 4 stars; one submission).

Allele frequency attached by ClinVar (database versions not stated): TOPMed 0.00001.
gnomAD v4.1: 1 of 1,610,516 alleles (0.000062%); highest among the groups gnomAD compares: Admixed American, 0.0017%; no homozygotes.

Submission:

Labcorp Genetics (formerly Invitae), Labcorp
Classification: Uncertain significance. Last evaluated: 2025-03-07. Review status: criteria provided, single submitter. Criteria: Invitae Variant Classification Sherloc (09022015). Collection method: clinical testing. Allele origin: germline.
Comment: This sequence change replaces aspartic acid, which is acidic and polar, with glycine, which is neutral and non-polar, at codon 615 of the COLGALT1 protein (p.Asp615Gly). This variant is present in population databases (no rsID available, gnomAD 0.003%). This variant has not been reported in the literature in individuals affected with COLGALT1-related conditions. ClinVar contains an entry for this variant (Variation ID: 2112522). An algorithm developed to predict the effect of missense changes on protein structure and function (PolyPhen-2) suggests that this variant is likely to be tolerated. In summary, the available evidence is currently insufficient to determine the role of this variant in disease. Therefore, it has been classified as a Variant of Uncertain Significance.

NM_024656.4(COLGALT1):c.1844A>G (p.Asp615Gly)

Gene: COLGALT1 (collagen beta(1-O)galactosyltransferase 1; plus strand). Cytogenetic location: 19p13.11.
Variant type: single nucleotide variant.
Coding change: c.1844A>G on transcript NM_024656.4 (MANE Select); coding-DNA position 1844, A replaced by G.
Protein change: p.Asp615Gly; replaces aspartic acid 615 with glycine.
Molecular consequence: missense variant.
Genome position (GRCh38, 1-based): chr19:17,581,419, A>G. VCF-style: chr19-17581419-A-G. GRCh37 (hg19) VCF-style: chr19-17692228-A-G.
Other names: short protein forms D615G.
Identifiers: ClinVar variation 2112522 (VCV002112522.4), dbSNP rs1194775069, ClinGen allele CA404720709.